The following is an entry in ClinVar:

ClinVar aggregate classification (germline): Uncertain significance (1 of 4 stars; one submission).

Submission:

GeneDx
Classification: Uncertain significance. Last evaluated: 2023-11-29. Review status: criteria provided, single submitter. Criteria: GeneDx Variant Classification Process June 2021. Collection method: clinical testing. Allele origin: germline. Affected: yes.
Comment: Not observed at significant frequency in large population cohorts (gnomAD); In silico analysis supports that this missense variant has a deleterious effect on protein structure/function; Has not been previously published as pathogenic or benign to our knowledge

NM_001797.4(CDH11):c.1493A>T (p.Glu498Val)

Gene: CDH11 (cadherin 11; minus strand). Cytogenetic location: 16q21.
Variant type: single nucleotide variant.
Coding change: c.1493A>T on transcript NM_001797.4 (MANE Select); coding-DNA position 1493, A replaced by T.
Protein change: p.Glu498Val; replaces glutamic acid 498 with valine.
Molecular consequence: missense variant.
Genome position (GRCh38, 1-based): chr16:64,971,962, T>A on the plus strand (A>T on the coding strand, the complement: CDH11 is on the minus strand). VCF-style: chr16-64971962-T-A. GRCh37 (hg19) VCF-style: chr16-65005865-T-A.
Other names: c.1493A>T, p.Glu498Val (NM_001308392.2); c.1115A>T, p.Glu372Val (NM_001330576.2); short protein forms E372V, E498V.
Identifiers: ClinVar variation 3364867 (VCV003364867.1).